The following is an entry in ClinVar:

ClinVar aggregate classification (germline): Pathogenic (1 of 4 stars; one submission).

Conditions:
Spinocerebellar ataxia, autosomal recessive, with axonal neuropathy 2 (SCAN2). Also called: Ataxia with Oculomotor Apraxia Type 2; Ataxia-ocular apraxia-2; ATAXIA-OCULOMOTOR APRAXIA 2; Ataxia with Oculomotor Apraxia. Identifiers: Orphanet 64753, MedGen C1853761, MONDO:0018996, OMIM 606002.
Amyotrophic lateral sclerosis type 4 (ALS4). Also called: NEURONOPATHY, DISTAL HEREDITARY MOTOR, WITH PYRAMIDAL FEATURES; AMYOTROPHIC LATERAL SCLEROSIS 4, JUVENILE. Identifiers: Orphanet 357043, MedGen C1865409, MONDO:0011223, OMIM 602433.

Submission:

Labcorp Genetics (formerly Invitae), Labcorp
Classification: Pathogenic for Amyotrophic lateral sclerosis type 4; Spinocerebellar ataxia, autosomal recessive, with axonal neuropathy 2. Last evaluated: 2021-02-19. Review status: criteria provided, single submitter. Criteria: Invitae Variant Classification Sherloc (09022015). Collection method: clinical testing. Allele origin: germline.
Comment: This sequence change replaces leucine with proline at codon 495 of the SETX protein (p.Leu495Pro). The leucine residue is moderately conserved and there is a moderate physicochemical difference between leucine and proline. This variant is not present in population databases (ExAC no frequency). This variant has been observed in individual(s) with clinical features of autosomal recessive spinocerebellar ataxia (Invitae). It has also been observed to segregate with disease in related individuals. Advanced modeling of protein sequence and biophysical properties (such as structural, functional, and spatial information, amino acid conservation, physicochemical variation, residue mobility, and thermodynamic stability) performed at Invitae indicates that this missense variant is expected to disrupt SETX protein function. For these reasons, this variant has been classified as Pathogenic.

NM_015046.7(SETX):c.1484T>C (p.Leu495Pro)

Gene: SETX (senataxin; minus strand). Cytogenetic location: 9q34.13.
Variant type: single nucleotide variant.
Coding change: c.1484T>C on transcript NM_015046.7 (MANE Select); coding-DNA position 1484, T replaced by C.
Protein change: p.Leu495Pro; replaces leucine 495 with proline.
Molecular consequence: missense variant.
Genome position (GRCh38, 1-based): chr9:132,330,114, A>G on the plus strand (T>C on the coding strand, the complement: SETX is on the minus strand). VCF-style: chr9-132330114-A-G. GRCh37 (hg19) VCF-style: chr9-135205501-A-G.
Other names: c.1484T>C, p.Leu495Pro (NM_001351527.2, NM_001351528.2); short protein forms L495P.
Identifiers: ClinVar variation 1359217 (VCV001359217.8), dbSNP rs2131461009, ClinGen allele CA375343126.